The following is an entry in ClinVar:

NM_000553.6(WRN):c.1801C>G (p.Leu601Val)

Gene: WRN (WRN RecQ like helicase; plus strand). Cytogenetic location: 8p12.
Variant type: single nucleotide variant.
Coding change: c.1801C>G on transcript NM_000553.6 (MANE Select); coding-DNA position 1801, C replaced by G.
Protein change: p.Leu601Val; replaces leucine 601 with valine.
Molecular consequence: missense variant.
Genome position (GRCh38, 1-based): chr8:31,090,914, C>G. VCF-style: chr8-31090914-C-G. GRCh37 (hg19) VCF-style: chr8-30948430-C-G.
Other names: short protein forms L601V.
Identifiers: ClinVar variation 1911185 (VCV001911185.5), dbSNP rs2535931737, ClinGen allele CA370928093.

ClinVar aggregate classification (germline): Uncertain significance (1 of 4 stars; one submission).

Conditions:
Werner syndrome (WRN). Identifiers: Orphanet 902, MedGen C0043119, MONDO:0010196, OMIM 277700.

Submission:

Labcorp Genetics (formerly Invitae), Labcorp
Classification: Uncertain significance for Werner syndrome. Last evaluated: 2022-10-12. Review status: criteria provided, single submitter. Criteria: Invitae Variant Classification Sherloc (09022015). Collection method: clinical testing. Allele origin: germline.
Comment: This sequence change replaces leucine, which is neutral and non-polar, with valine, which is neutral and non-polar, at codon 601 of the WRN protein (p.Leu601Val). This variant is not present in population databases (gnomAD no frequency). This variant has not been reported in the literature in individuals affected with WRN-related conditions. In summary, the available evidence is currently insufficient to determine the role of this variant in disease. Therefore, it has been classified as a Variant of Uncertain Significance. Algorithms developed to predict the effect of missense changes on protein structure and function are either unavailable or do not agree on the potential impact of this missense change (SIFT: "Not Available"; PolyPhen-2: "Probably Damaging"; Align-GVGD: "Not Available").